The following is an entry in ClinVar:

NM_003247.5(THBS2):c.195G>A (p.Pro65=)

Gene: THBS2 (thrombospondin 2; minus strand). Cytogenetic location: 6q27.
Variant type: single nucleotide variant.
Coding change: c.195G>A on transcript NM_003247.5 (MANE Select); coding-DNA position 195, G replaced by A.
Protein change: p.Pro65=; no amino-acid change (proline 65 retained).
Molecular consequence: synonymous variant. On other transcripts: 5 prime UTR variant (1), non-coding transcript variant (2).
Genome position (GRCh38, 1-based): chr6:169,248,831, C>T on the plus strand (G>A on the coding strand, the complement: THBS2 is on the minus strand). VCF-style: chr6-169248831-C-T. GRCh37 (hg19) VCF-style: chr6-169648926-C-T.
Other names: c.195G>A, p.Pro65= (NM_001381939.1, NM_001381940.1, NM_001381941.1); c.-37G>A (NM_001381942.1).
Identifiers: ClinVar variation 5041353 (VCV005041353.1).

ClinVar aggregate classification (germline): Likely benign (1 of 4 stars; one submission).

gnomAD v4.1: 73 of 1,610,910 alleles (0.0045%); highest among the groups gnomAD compares: Admixed American, 0.11%; no homozygotes.

Submission:

CeGaT Center for Human Genetics Tuebingen
Classification: Likely benign. Last evaluated: 2026-09-01. Review status: criteria provided, single submitter. Criteria: CeGaT Center For Human Genetics Tuebingen Variant Classification Criteria Version 2. Collection method: clinical testing. Allele origin: germline. Affected: yes. Observed: 1 variant allele.
Comment: THBS2: BP4, BP7